The following is an entry in ClinVar:

ClinVar aggregate classification (germline): Uncertain significance (1 of 4 stars; one submission).

Submission:

Labcorp Genetics (formerly Invitae), Labcorp
Classification: Uncertain significance. Last evaluated: 2024-03-11. Review status: criteria provided, single submitter. Criteria: Invitae Variant Classification Sherloc (09022015). Collection method: clinical testing. Allele origin: germline.
Comment: This sequence change replaces isoleucine, which is neutral and non-polar, with threonine, which is neutral and polar, at codon 481 of the MCPH1 protein (p.Ile481Thr). This variant is not present in population databases (gnomAD no frequency). This variant has not been reported in the literature in individuals affected with MCPH1-related conditions. ClinVar contains an entry for this variant (Variation ID: 1902671). Advanced modeling of protein sequence and biophysical properties (such as structural, functional, and spatial information, amino acid conservation, physicochemical variation, residue mobility, and thermodynamic stability) performed at Invitae indicates that this missense variant is not expected to disrupt MCPH1 protein function with a negative predictive value of 80%. In summary, the available evidence is currently insufficient to determine the role of this variant in disease. Therefore, it has been classified as a Variant of Uncertain Significance.

NM_024596.5(MCPH1):c.1442T>C (p.Ile481Thr)

Gene: MCPH1 (microcephalin 1; plus strand). Cytogenetic location: 8p23.1.
Variant type: single nucleotide variant.
Coding change: c.1442T>C on transcript NM_024596.5 (MANE Select); coding-DNA position 1442, T replaced by C.
Protein change: p.Ile481Thr; replaces isoleucine 481 with threonine.
Molecular consequence: missense variant. On other transcripts: non-coding transcript variant (1).
Genome position (GRCh38, 1-based): chr8:6,445,164, T>C. VCF-style: chr8-6445164-T-C. GRCh37 (hg19) VCF-style: chr8-6302685-T-C.
Other names: c.1442T>C, p.Ile481Thr (NM_001172574.2, NM_001322042.2, NM_001363979.1 and 3 more transcripts); c.1298T>C, p.Ile433Thr (NM_001172575.2); c.1436T>C, p.Ile479Thr (NM_001322043.2); c.1340T>C, p.Ile447Thr (NM_001322045.2); short protein forms I433T, I479T, I447T, I481T.
Identifiers: ClinVar variation 1902671 (VCV001902671.4), dbSNP rs1804108796, ClinGen allele CA370221643.
Genomic context (GRCh38, chr8:6,445,164, plus strand): 5'-TTTCCTGCGTTGGCAAAAAAACCAGAACAGTTGACATTACCAATTTCACAGCAAAAACCA[T>C]CTCCAGTCCTCGGAAAACTGGAAATGGTGAAGGCCGTGCAACTTCGAGTTGCGTGACTTC-3'
Protein context (NP_078872.3, residues 471-491): VDITNFTAKT[Ile481Thr]SSPRKTGNGE